The following is an entry in ClinVar:

NM_005334.3(HCFC1):c.5868C>T (p.Ser1956=)

Gene: HCFC1 (host cell factor C1; minus strand). Cytogenetic location: Xq28.
Variant type: single nucleotide variant.
Coding change: c.5868C>T on transcript NM_005334.3 (MANE Select); coding-DNA position 5868, C replaced by T.
Protein change: p.Ser1956=; no amino-acid change (serine 1956 retained).
Molecular consequence: synonymous variant.
Genome position (GRCh38, 1-based): chrX:153,950,379, G>A on the plus strand (C>T on the coding strand, the complement: HCFC1 is on the minus strand). VCF-style: chrX-153950379-G-A. GRCh37 (hg19) VCF-style: chrX-153215830-G-A.
Other names: c.6003C>T, p.Ser2001= (NM_001410705.1).
Identifiers: ClinVar variation 2955839 (VCV002955839.7), dbSNP rs782470344, ClinGen allele CA10556720.
Genomic context (GRCh38, chrX:153,950,379, plus strand): 5'-CTTGGTGGTGTAGTCGATGTGGGCGTTGGAAAGGCTGGAGGACTGCACCAGGCAGGAGGG[G>A]CTGGGCCCGCAGTACACCCGCATGAAGGCCAGCTGGGCCGGGGTGGAGCTCTTGAGCTCG-3'
Protein context (NP_005325.2, residues 1946-1966): LAFMRVYCGP[Ser1956=]PSCLVQSSSL

ClinVar aggregate classification (germline): Benign/Likely benign. Review status: criteria provided, multiple submitters, no conflicts (2 of 4 stars). 2 submissions from 2 submitters: Benign (1); Likely benign (1). Last evaluated 2026-02-01.

Conditions:
Methylmalonic acidemia with homocystinuria, type cblX (MAHCX). Also called: INTELLECTUAL DEVELOPMENTAL DISORDER, X-LINKED 3. Identifiers: Orphanet 369962, MedGen C0796208, MONDO:0010657, OMIM 309541.

Allele frequency attached by ClinVar (database versions not stated): TOPMed below 0.00001; gnomAD exomes 0.00001; ExAC 0.00004.
gnomAD v4.1: 13 of 1,210,850 alleles (0.0011%); highest among the groups gnomAD compares: Middle Eastern, 0.023%; no homozygotes.

Submissions (2):

CeGaT Center for Human Genetics Tuebingen
Classification: Likely benign. Last evaluated: 2026-02-01. Review status: criteria provided, single submitter. Criteria: CeGaT Center For Human Genetics Tuebingen Variant Classification Criteria Version 2. Collection method: clinical testing. Allele origin: germline. Affected: yes. Observed: 1 variant allele.
Comment: HCFC1: BP4, BS2

Labcorp Genetics (formerly Invitae), Labcorp
Classification: Benign for Methylmalonic acidemia with homocystinuria, type cblX. Last evaluated: 2024-03-20. Review status: criteria provided, single submitter. Criteria: Invitae Variant Classification Sherloc (09022015). Collection method: clinical testing. Allele origin: germline.